The following is an entry in ClinVar:

NM_000302.4(PLOD1):c.896C>T (p.Pro299Leu)

Gene: PLOD1 (procollagen-lysine,2-oxoglutarate 5-dioxygenase 1; plus strand). Cytogenetic location: 1p36.22.
Variant type: single nucleotide variant.
Coding change: c.896C>T on transcript NM_000302.4 (MANE Select); coding-DNA position 896, C replaced by T.
Protein change: p.Pro299Leu; replaces proline 299 with leucine.
Molecular consequence: missense variant.
Genome position (GRCh38, 1-based): chr1:11,958,568, C>T. VCF-style: chr1-11958568-C-T. GRCh37 (hg19) VCF-style: chr1-12018625-C-T.
Other names: c.1037C>T, p.Pro346Leu (NM_001316320.2); c.896C>T (NM_000302.3); short protein forms P299L, P346L.
Identifiers: ClinVar variation 1008747 (VCV001008747.8), dbSNP rs532145123, ClinGen allele CA598189.

ClinVar aggregate classification (germline): Uncertain significance. Review status: criteria provided, multiple submitters, no conflicts (2 of 4 stars). 2 submissions from 2 submitters: Uncertain significance (2). Last evaluated 2025-07-21.

Conditions:
Familial thoracic aortic aneurysm and aortic dissection (TAAD). Also called: Thoracic aortic aneurysms and dissections. Identifiers: Orphanet 91387, MedGen C4707243, MONDO:0019625.
Ehlers-Danlos syndrome, kyphoscoliotic type 1 (EDSKSCL1). Also called: EHLERS-DANLOS SYNDROME, OCULAR-SCOLIOTIC TYPE; Ehlers-Danlos syndrome, hydroxylysine-deficient; EHLERS-DANLOS SYNDROME, TYPE VIA; PLOD1-Related Kyphoscoliotic Ehlers-Danlos Syndrome. Identifiers: Orphanet 1900, MedGen C0268342, MONDO:0016002, OMIM 225400. Disease mechanism: loss of function.

Allele frequency attached by ClinVar (database versions not stated): gnomAD 0.00001; TOPMed 0.00001; gnomAD exomes 0.00002; ExAC 0.00003; 1000 Genomes Project 0.00020; 1000 Genomes Project 30x 0.00031.

Submissions (2):

Ambry Genetics
Classification: Uncertain significance for Familial thoracic aortic aneurysm and aortic dissection. Last evaluated: 2025-07-21. Review status: criteria provided, single submitter. Criteria: Ambry Variant Classification Scheme 2023. Collection method: clinical testing. Allele origin: germline.
Comment: The p.P299L variant (also known as c.896C>T), located in coding exon 9 of the PLOD1 gene, results from a C to T substitution at nucleotide position 896. The proline at codon 299 is replaced by leucine, an amino acid with similar properties. This amino acid position is conserved. In addition, this alteration is predicted to be deleterious by in silico analysis. Since supporting evidence is limited at this time, the clinical significance of this alteration remains unclear.

Labcorp Genetics (formerly Invitae), Labcorp
Classification: Uncertain significance for Ehlers-Danlos syndrome, kyphoscoliotic type 1. Last evaluated: 2021-08-28. Review status: criteria provided, single submitter. Criteria: Invitae Variant Classification Sherloc (09022015). Collection method: clinical testing. Allele origin: germline.
Comment: This sequence change replaces proline with leucine at codon 299 of the PLOD1 protein (p.Pro299Leu). The proline residue is highly conserved and there is a moderate physicochemical difference between proline and leucine. This variant is present in population databases (rs532145123, ExAC 0.01%). This variant has not been reported in the literature in individuals affected with PLOD1-related conditions. Algorithms developed to predict the effect of missense changes on protein structure and function (SIFT, PolyPhen-2, Align-GVGD) all suggest that this variant is likely to be disruptive. In summary, the available evidence is currently insufficient to determine the role of this variant in disease. Therefore, it has been classified as a Variant of Uncertain Significance.